The following is an entry in ClinVar:

ClinVar aggregate classification (germline): Uncertain significance (1 of 4 stars; one submission).

Conditions:
Combined oxidative phosphorylation defect type 14. Also called: Combined oxidative phosphorylation deficiency 14. Identifiers: Orphanet 319519, MedGen C4755312, MONDO:0013986, OMIM 614946.

Submission:

Centre for Mendelian Genomics, University Medical Centre Ljubljana
Classification: Uncertain significance for Combined oxidative phosphorylation defect type 14. Last evaluated: 2018-10-10. Review status: criteria provided, single submitter. Criteria: ACMG Guidelines, 2015. Collection method: clinical testing. Allele origin: unknown. Affected: yes.
Comment: This variant was classified as: Uncertain significance. The available evidence on this variant's pathogenicity is insufficient or conflicting. The following ACMG criteria were applied in classifying this variant: PM2,PP3.

NM_006567.5(FARS2):c.559C>G (p.His187Asp)

Genes: FARS2 (phenylalanyl-tRNA synthetase 2, mitochondrial; plus strand), LOC126859565 (CDK7 strongly-dependent group 2 enhancer GRCh37_chr6:5368745-5369944; plus strand). Cytogenetic location: 6p25.1.
Variant type: single nucleotide variant.
Coding change: c.559C>G on transcript NM_006567.5 (MANE Select); coding-DNA position 559, C replaced by G.
Protein change: p.His187Asp; replaces histidine 187 with aspartic acid.
Molecular consequence: missense variant. On other transcripts: intron variant (2).
Genome position (GRCh38, 1-based): chr6:5,369,129, C>G. VCF-style: chr6-5369129-C-G. GRCh37 (hg19) VCF-style: chr6-5369362-C-G.
Other names: c.559C>G, p.His187Asp (NM_001318872.2, NM_001374875.1, NM_001374876.1 and 5 more transcripts); c.-340-27504C>G (NM_001375260.1); c.-84-35413C>G (NM_001375259.1); short protein forms H187D.
Identifiers: ClinVar variation 930632 (VCV000930632.3), dbSNP rs1758874173, ClinGen allele CA362735542.